The following is an entry in ClinVar:

ClinVar aggregate classification (germline): Uncertain significance (1 of 4 stars; one submission).

Submission:

Labcorp Genetics (formerly Invitae), Labcorp
Classification: Uncertain significance. Last evaluated: 2025-05-14. Review status: criteria provided, single submitter. Criteria: Invitae Variant Classification Sherloc (09022015). Collection method: clinical testing. Allele origin: germline.
Comment: This sequence change affects an acceptor splice site in intron 7 of the SLC44A4 gene. It is expected to disrupt RNA splicing. Variants that disrupt the donor or acceptor splice site typically lead to a loss of protein function (PMID: 16199547), however the current clinical and genetic evidence is not sufficient to establish whether loss-of-function variants in SLC44A4 cause disease. This variant is not present in population databases (gnomAD no frequency). This variant has not been reported in the literature in individuals affected with SLC44A4-related conditions. Experimental studies and prediction algorithms are not available or were not evaluated, and the functional significance of this variant is currently unknown. Algorithms developed to predict the effect of sequence changes on RNA splicing suggest that this variant may disrupt the consensus splice site. In summary, the available evidence is currently insufficient to determine the role of this variant in disease. Therefore, it has been classified as a Variant of Uncertain Significance.

Literature cited by the submitters: PubMed 16199547.

NM_025257.3(SLC44A4):c.530-2A>G

Gene: SLC44A4 (solute carrier family 44 member 4; minus strand). Cytogenetic location: 6p21.33.
Variant type: single nucleotide variant.
Coding change: c.530-2A>G on transcript NM_025257.3 (MANE Select); the canonical splice acceptor site of the intron before coding-DNA position 530, A replaced by G.
Molecular consequence: splice acceptor variant.
Genome position (GRCh38, 1-based): chr6:31,871,563, T>C on the plus strand (A>G on the coding strand, the complement: SLC44A4 is on the minus strand). VCF-style: chr6-31871563-T-C. GRCh37 (hg19) VCF-style: chr6-31839340-T-C.
Other names: c.404-2A>G (NM_001178044.2); c.302-2A>G (NM_001178045.2).
Identifiers: ClinVar variation 4719588 (VCV004719588.1).